The following is an entry in ClinVar:

NM_003906.5(MCM3AP):c.216A>G (p.Thr72=)

Gene: MCM3AP (minichromosome maintenance complex component 3 associated protein; minus strand). Cytogenetic location: 21q22.3.
Variant type: single nucleotide variant.
Coding change: c.216A>G on transcript NM_003906.5 (MANE Select); coding-DNA position 216, A replaced by G.
Protein change: p.Thr72=; no amino-acid change (threonine 72 retained).
Molecular consequence: synonymous variant.
Genome position (GRCh38, 1-based): chr21:46,285,071, T>C on the plus strand (A>G on the coding strand, the complement: MCM3AP is on the minus strand). VCF-style: chr21-46285071-T-C. GRCh37 (hg19) VCF-style: chr21-47704985-T-C.
Other names: c.216A>G (NM_003906.4).
Identifiers: ClinVar variation 1540920 (VCV001540920.10), dbSNP rs74958485, ClinGen allele CA10077393.

ClinVar aggregate classification (germline): Benign. Review status: criteria provided, multiple submitters, no conflicts (2 of 4 stars). 3 submissions from 3 submitters: Benign (3). Last evaluated 2025-12-28.

Conditions:
MCM3AP-related disorder. Also called: MCM3AP-related condition.

Allele frequency attached by ClinVar (database versions not stated): ExAC 0.00085; gnomAD 0.00224 and 0.00237; TOPMed 0.00251; ESP Exome Variant Server 0.00338; 1000 Genomes Project 0.00339; 1000 Genomes Project 30x 0.00375.
gnomAD v4.1: 628 of 1,614,226 alleles (0.039%); highest among the groups gnomAD compares: African/African-American, 0.76%; 5 homozygotes.

Submissions (3):

Labcorp Genetics (formerly Invitae), Labcorp
Classification: Benign. Last evaluated: 2025-12-28. Review status: criteria provided, single submitter. Criteria: Invitae Variant Classification Sherloc (09022015). Collection method: clinical testing. Allele origin: germline.

PreventionGenetics, part of Exact Sciences
Classification: Benign for MCM3AP-related condition. Last evaluated: 2025-05-08. Review status: criteria provided, single submitter. Criteria: ACMG Guidelines, 2015. Collection method: clinical testing. Allele origin: germline.
Comment: This variant is classified as benign based on ACMG/AMP sequence variant interpretation guidelines (Richards et al. 2015 PMID: 25741868, with internal and published modifications).

Breakthrough Genomics
Classification: Benign. Review status: criteria provided, single submitter. Criteria: ACMG Guidelines, 2015. Collection method: not provided. Allele origin: germline. Inheritance: Autosomal recessive inheritance. Affected: yes.